The following is an entry in ClinVar:

ClinVar aggregate classification (germline): Conflicting classifications of pathogenicity. Review status: criteria provided, conflicting classifications (1 of 4 stars). 11 submissions from 7 submitters: Uncertain significance (5); Likely benign (6). Last evaluated 2026-02-19.

Conditions:
Meckel syndrome, type 4 (MKS4). Also called: MECKEL-GRUBER SYNDROME, TYPE 4. Identifiers: Orphanet 564, MedGen C1970161, MONDO:0012626, OMIM 611134.
Leber congenital amaurosis 10 (LCA10). Identifiers: Orphanet 65, MedGen C1857821, MONDO:0012723, OMIM 611755.
Bardet-Biedl syndrome 14 (BBS14). Identifiers: Orphanet 110, MedGen C2673874, MONDO:0014442, OMIM 615991.
Joubert syndrome 5 (JBTS5). Identifiers: Orphanet 2318, MedGen C1857780, MONDO:0012432, OMIM 610188.
Senior-Loken syndrome 6 (SLSN6). Identifiers: Orphanet 3156, MedGen C1857779, MONDO:0012433, OMIM 610189.
Nephronophthisis. Also called: Juvenile Nephronophthisis. Identifiers: Orphanet 655, MedGen C0687120, MONDO:0019005, HP:0000090.
Meckel-Gruber syndrome. Also called: Dysencephalia splachnocystica; DYSENCEPHALIA SPLANCHNOCYSTICA; GRUBER SYNDROME. Identifiers: Orphanet 564, MedGen C0265215, MONDO:0018921.
Joubert syndrome. Also called: Familial aplasia of the vermis; JOUBERT-BOLTSHAUSER SYNDROME. Identifiers: Orphanet 475, MedGen C5979921, MONDO:0018772.

Allele frequency attached by ClinVar (database versions not stated): ESP Exome Variant Server 0.00026; 1000 Genomes Project 30x 0.00031; gnomAD exomes 0.00032 and 0.00095; gnomAD 0.00040 and 0.00043; TOPMed 0.00046; ExAC 0.00055.
gnomAD v4.1: 1,116 of 1,255,924 alleles (0.089%); highest among the groups gnomAD compares: Non-Finnish European, 0.11%; 2 homozygotes.

Submissions (11):

Women's Health and Genetics/Laboratory Corporation of America, LabCorp
Classification: Likely benign. Last evaluated: 2026-02-19. Review status: criteria provided, single submitter. Criteria: LabCorp Variant Classification Summary - May 2015. Collection method: clinical testing. Allele origin: germline.

Labcorp Genetics (formerly Invitae), Labcorp
Classification: Likely benign for Joubert syndrome; Meckel-Gruber syndrome; Nephronophthisis. Last evaluated: 2026-01-19. Review status: criteria provided, single submitter. Criteria: Invitae Variant Classification Sherloc (09022015). Collection method: clinical testing. Allele origin: germline.

Mayo Clinic Laboratories, Mayo Clinic
Classification: Likely benign. Last evaluated: 2025-12-07. Review status: criteria provided, single submitter. Criteria: ACMG Guidelines, 2015. Collection method: clinical testing. Allele origin: germline. Observed: 1 variant allele.
Comment: BP4, BP7

CeGaT Center for Human Genetics Tuebingen
Classification: Likely benign. Last evaluated: 2025-06-01. Review status: criteria provided, single submitter. Criteria: CeGaT Center For Human Genetics Tuebingen Variant Classification Criteria Version 2. Collection method: clinical testing. Allele origin: germline. Affected: yes. Observed: 3 variant alleles.
Comment: CEP290: BP4

Blueprint Genetics
Classification: Likely benign. Last evaluated: 2024-11-14. Review status: criteria provided, single submitter. Criteria: ACMG Guidelines, 2015. Collection method: clinical testing. Allele origin: germline.

Illumina Laboratory Services, Illumina
Classification: Uncertain significance for Bardet-Biedl syndrome 14. Last evaluated: 2018-01-12. Review status: criteria provided, single submitter. Criteria: ICSL Variant Classification Criteria 13 December 2019. Collection method: clinical testing. Allele origin: germline.

Illumina Laboratory Services, Illumina
Classification: Uncertain significance for Leber congenital amaurosis 10. Last evaluated: 2018-01-12. Review status: criteria provided, single submitter. Criteria: ICSL Variant Classification Criteria 13 December 2019. Collection method: clinical testing. Allele origin: germline.

Illumina Laboratory Services, Illumina
Classification: Uncertain significance for Joubert syndrome 5. Last evaluated: 2018-01-12. Review status: criteria provided, single submitter. Criteria: ICSL Variant Classification Criteria 13 December 2019. Collection method: clinical testing. Allele origin: germline.

Illumina Laboratory Services, Illumina
Classification: Uncertain significance for Senior-Loken syndrome 6. Last evaluated: 2018-01-12. Review status: criteria provided, single submitter. Criteria: ICSL Variant Classification Criteria 13 December 2019. Collection method: clinical testing. Allele origin: germline.

Illumina Laboratory Services, Illumina
Classification: Uncertain significance for Meckel syndrome, type 4. Last evaluated: 2018-01-12. Review status: criteria provided, single submitter. Criteria: ICSL Variant Classification Criteria 13 December 2019. Collection method: clinical testing. Allele origin: germline.

GeneDx
Classification: Likely benign. Last evaluated: 2016-02-23. Review status: criteria provided, single submitter. Criteria: GeneDx Variant Classification (06012015). Collection method: clinical testing. Allele origin: germline. Affected: yes.
Comment: This variant is considered likely benign or benign based on one or more of the following criteria: it is a conservative change, it occurs at a poorly conserved position in the protein, it is predicted to be benign by multiple in silico algorithms, and/or has population frequency not consistent with disease.

NM_025114.4(CEP290):c.1360-4T>G

Gene: CEP290 (centrosomal protein 290; minus strand). Cytogenetic location: 12q21.32.
Variant type: single nucleotide variant.
Coding change: c.1360-4T>G on transcript NM_025114.4 (MANE Select); 4 bases into the intron before coding-DNA position 1360, T replaced by G.
Molecular consequence: intron variant.
Genome position (GRCh38, 1-based): chr12:88,120,280, A>C on the plus strand (T>G on the coding strand, the complement: CEP290 is on the minus strand). VCF-style: chr12-88120280-A-C. GRCh37 (hg19) VCF-style: chr12-88514057-A-C.
Other names: p.?.
Identifiers: ClinVar variation 379430 (VCV000379430.48), dbSNP rs200328638, ClinGen allele CA6712563.